The following is an entry in ClinVar:

NM_000053.4(ATP7B):c.3296G>A (p.Gly1099Asp)

Gene: ATP7B (ATPase copper transporting beta; minus strand). Cytogenetic location: 13q14.3.
Variant type: single nucleotide variant.
Coding change: c.3296G>A on transcript NM_000053.4 (MANE Select); coding-DNA position 3296, G replaced by A.
Protein change: p.Gly1099Asp; replaces glycine 1099 with aspartic acid.
Molecular consequence: missense variant.
Genome position (GRCh38, 1-based): chr13:51,942,502, C>T on the plus strand (G>A on the coding strand, the complement: ATP7B is on the minus strand). VCF-style: chr13-51942502-C-T. GRCh37 (hg19) VCF-style: chr13-52516638-C-T.
Other names: c.3113G>A, p.Gly1038Asp (NM_001406523.1); c.3119G>A, p.Gly1040Asp (NM_001406524.1); c.3101G>A, p.Gly1034Asp (NM_001406525.1); c.3296G>A, p.Gly1099Asp (NM_001406526.1, NM_001406511.1, NM_001406512.1); c.2675G>A, p.Gly892Asp (NM_001005918.3); c.2963G>A, p.Gly988Asp (NM_001243182.2); c.3062G>A, p.Gly1021Asp (NM_001330578.2, NM_001406538.1, NM_001406527.1 and 1 more transcripts); c.3044G>A, p.Gly1015Asp (NM_001330579.2, NM_001406531.1, NM_001406532.1); and 19 more; short protein forms G1034D, G1038D, G1040D, G1097D, G818D, G872D, G883D, G905D.
Identifiers: ClinVar variation 2000104 (VCV002000104.5), dbSNP rs2547613010, ClinGen allele CA388028596.

ClinVar aggregate classification (germline): Conflicting classifications of pathogenicity. Review status: criteria provided, conflicting classifications (1 of 4 stars). 2 submissions from 2 submitters: Likely pathogenic (1); Uncertain significance (1). Last evaluated 2024-12-09.

Conditions:
Wilson disease (WND). Also called: Wilson's disease. Identifiers: Orphanet 905, MedGen C0019202, MONDO:0010200, OMIM 277900. Disease mechanism: loss of function.

Submissions (2):

Labcorp Genetics (formerly Invitae), Labcorp
Classification: Likely pathogenic for Wilson disease. Last evaluated: 2024-12-09. Review status: criteria provided, single submitter. Criteria: Invitae Variant Classification Sherloc (09022015). Collection method: clinical testing. Allele origin: germline.
Comment: This sequence change replaces glycine, which is neutral and non-polar, with aspartic acid, which is acidic and polar, at codon 1099 of the ATP7B protein (p.Gly1099Asp). This variant is not present in population databases (gnomAD no frequency). This missense change has been observed in individual(s) with Wilson disease (PMID: 29321352). ClinVar contains an entry for this variant (Variation ID: 2000104). Invitae Evidence Modeling of protein sequence and biophysical properties (such as structural, functional, and spatial information, amino acid conservation, physicochemical variation, residue mobility, and thermodynamic stability) indicates that this missense variant is expected to disrupt ATP7B protein function with a positive predictive value of 80%. This variant disrupts the p.Gly1099 amino acid residue in ATP7B. Other variant(s) that disrupt this residue have been determined to be pathogenic (PMID: 15952988, 23567103, 25516681). This suggests that this residue is clinically significant, and that variants that disrupt this residue are likely to be disease-causing. In summary, the currently available evidence indicates that the variant is pathogenic, but additional data are needed to prove that conclusively. Therefore, this variant has been classified as Likely Pathogenic.

All of Us Research Program, National Institutes of Health
Classification: Uncertain significance for Wilson disease. Last evaluated: 2023-06-26. Review status: criteria provided, single submitter. Criteria: ACMG Guidelines, 2015. Collection method: clinical testing. Allele origin: germline. Inheritance: Autosomal recessive inheritance. Observed: 1 variant allele, 1 heterozygote.
Comment: This missense variant replaces glycine with aspartic acid at codon 1099 of the ATP7B protein. Computational prediction suggests that this variant may have deleterious impact on protein structure and function (internally defined REVEL score threshold >= 0.7, PMID: 27666373). To our knowledge, functional studies have not been reported for this variant. This variant has been reported among 55 Vietnamese individuals with Wilson disease without further details on clinical features and genotype (PMID: 29321352). This variant has not been identified in the general population by the Genome Aggregation Database (gnomAD). A different variant affecting the same codon, c.3295G>A (p.Gly1099Ser), is considered to be disease-causing (ClinVar variation ID: 370820), suggesting that Gly at this position is important for the protein function. Due to the lack of data specific for the p.Gly1099Asp variant, the role of this variant in disease cannot be determined conclusively. Therefore, this variant is classified as a Variant of Uncertain Significance

This study involves interpretation of variants in research participants for the purpose of population health screening. Participant phenotype was not available at the time of variant classification. Additional details can be found in publication PMID: 35346344, PMCID: PMC8962531

Literature cited by the submitters: PubMed 29321352 (cited by Labcorp Genetics (formerly Invitae), Labcorp and All of Us Research Program, National Institutes of Health); PubMed 15952988 (cited by Labcorp Genetics (formerly Invitae), Labcorp); PubMed 23567103 (cited by Labcorp Genetics (formerly Invitae), Labcorp); PubMed 25516681 (cited by Labcorp Genetics (formerly Invitae), Labcorp).